The following is an entry in ClinVar:

GRCh38/hg38 Xp21.1(chrX:31871083-32079714)x1

Gene: DMD (dystrophin; minus strand). Cytogenetic location: Xp21.1.
Variant type: copy number loss.
Change: copy number 1 of chrX:31,871,083-32,079,714 (208.6 kb, GRCh38 coordinates, 1-based), cytogenetic band Xp21.1.
Identifiers: ClinVar variation 4796305 (VCV004796305.1).

ClinVar aggregate classification (germline): Uncertain significance (1 of 4 stars; one submission).

Submission:

Medical Genetic Center, Changzhi Maternal and Child Health Care Hospital
Classification: Uncertain significance. Last evaluated: 2025-12-10. Review status: criteria provided, single submitter. Criteria: ACMG/ClinGen CNV Guidelines, 2019. Collection method: clinical testing. Allele origin: unknown.